The following is an entry in ClinVar:

NM_003742.4(ABCB11):c.1672C>T (p.Gln558Ter)

Gene: ABCB11 (ATP binding cassette subfamily B member 11; minus strand). Cytogenetic location: 2q31.1.
Variant type: single nucleotide variant.
Coding change: c.1672C>T on transcript NM_003742.4 (MANE Select); coding-DNA position 1672, C replaced by T.
Protein change: p.Gln558Ter; replaces glutamine 558 with a stop codon.
Molecular consequence: nonsense.
Genome position (GRCh38, 1-based): chr2:168,970,182, G>A on the plus strand (C>T on the coding strand, the complement: ABCB11 is on the minus strand). VCF-style: chr2-168970182-G-A. GRCh37 (hg19) VCF-style: chr2-169826692-G-A.
Other names: short protein forms Q558*.
Identifiers: ClinVar variation 2761185 (VCV002761185.3), dbSNP rs2545383573, ClinGen allele CA349114166.

ClinVar aggregate classification (germline): Pathogenic (1 of 4 stars; one submission).

Allele frequency attached by ClinVar (database versions not stated): gnomAD exomes below 0.00001.
gnomAD v4.1: 1 of 1,612,436 alleles (0.000062%); highest among the groups gnomAD compares: Admixed American, 0.0017%; no homozygotes.

Submission:

Labcorp Genetics (formerly Invitae), Labcorp
Classification: Pathogenic. Last evaluated: 2023-09-17. Review status: criteria provided, single submitter. Criteria: Invitae Variant Classification Sherloc (09022015). Collection method: clinical testing. Allele origin: germline.
Comment: For these reasons, this variant has been classified as Pathogenic. This variant has not been reported in the literature in individuals affected with ABCB11-related conditions. This variant is not present in population databases (gnomAD no frequency). This sequence change creates a premature translational stop signal (p.Gln558*) in the ABCB11 gene. It is expected to result in an absent or disrupted protein product. Loss-of-function variants in ABCB11 are known to be pathogenic (PMID: 18395098, 20232290).

Literature cited by the submitters: PubMed 18395098; PubMed 20232290.